The following is an entry in ClinVar:

NM_019066.5(MAGEL2):c.1640C>G (p.Pro547Arg)

Gene: MAGEL2 (MAGE family member L2; minus strand). Cytogenetic location: 15q11.2.
Variant type: single nucleotide variant.
Coding change: c.1640C>G on transcript NM_019066.5 (MANE Select); coding-DNA position 1640, C replaced by G.
Protein change: p.Pro547Arg; replaces proline 547 with arginine.
Molecular consequence: missense variant.
Genome position (GRCh38, 1-based): chr15:23,646,103, G>C on the plus strand (C>G on the coding strand, the complement: MAGEL2 is on the minus strand). VCF-style: chr15-23646103-G-C. GRCh37 (hg19) VCF-style: chr15-23891250-G-C.
Other names: short protein forms P547R.
Identifiers: ClinVar variation 3005060 (VCV003005060.3), dbSNP rs1267794670, ClinGen allele CA391333627.
Genomic context (GRCh38, chr15:23,646,103, plus strand): 5'-GGCAGCACAGGCTGGGGCACCTGCGGGCCAGCGGGCGGCGCCGCGGGTACCTGCGTAGCA[G>C]GTGGGGCCGTAGGCACCTGCGGCGCCGCCTGCACCTGCGGGGCCGGCAGCCTAGCCTGCG-3'
Protein context (NP_061939.3, residues 537-557): QAAPQVPTAP[Pro547Arg]ATQVPAAPPA

ClinVar aggregate classification (germline): Uncertain significance (1 of 4 stars; one submission).

Submission:

Labcorp Genetics (formerly Invitae), Labcorp
Classification: Uncertain significance. Last evaluated: 2024-10-22. Review status: criteria provided, single submitter. Criteria: Invitae Variant Classification Sherloc (09022015). Collection method: clinical testing. Allele origin: germline.
Comment: This sequence change replaces proline, which is neutral and non-polar, with arginine, which is basic and polar, at codon 547 of the MAGEL2 protein (p.Pro547Arg). This variant is not present in population databases (gnomAD no frequency). This variant has not been reported in the literature in individuals affected with MAGEL2-related conditions. Invitae Evidence Modeling of protein sequence and biophysical properties (such as structural, functional, and spatial information, amino acid conservation, physicochemical variation, residue mobility, and thermodynamic stability) indicates that this missense variant is not expected to disrupt MAGEL2 protein function with a negative predictive value of 80%. In summary, the available evidence is currently insufficient to determine the role of this variant in disease. Therefore, it has been classified as a Variant of Uncertain Significance.